The following is an entry in ClinVar:

ClinVar aggregate classification (germline): Uncertain significance. Review status: criteria provided, multiple submitters, no conflicts (2 of 4 stars). 4 submissions from 4 submitters: Uncertain significance (4). Last evaluated 2025-02-07.

Conditions:
Hereditary cancer-predisposing syndrome. Also called: Tumor predisposition; Neoplastic Syndromes, Hereditary; Hereditary Cancer Syndrome; Hereditary neoplastic syndrome. Identifiers: Orphanet 140162, MedGen C0027672, MeSH D009386, MONDO:0015356.
Ataxia-telangiectasia syndrome (AT). Also called: Ataxia-telangiectasia; Ataxia-telangiectasia, complementation group D; AT, COMPLEMENTATION GROUP C; LOUIS-BAR SYNDROME; Cerebello-oculocutaneous telangiectasia; Immunodeficiency with ataxia telangiectasia. Identifiers: Orphanet 100, MedGen C0004135, MONDO:0008840, OMIM 208900.

Submissions (4):

Labcorp Genetics (formerly Invitae), Labcorp
Classification: Uncertain significance for Ataxia-telangiectasia syndrome. Last evaluated: 2025-02-07. Review status: criteria provided, single submitter. Criteria: Invitae Variant Classification Sherloc (09022015). Collection method: clinical testing. Allele origin: germline.
Comment: This sequence change replaces tryptophan, which is neutral and slightly polar, with cysteine, which is neutral and slightly polar, at codon 1750 of the ATM protein (p.Trp1750Cys). This variant is not present in population databases (gnomAD no frequency). This variant has not been reported in the literature in individuals affected with ATM-related conditions. ClinVar contains an entry for this variant (Variation ID: 490607). Invitae Evidence Modeling of protein sequence and biophysical properties (such as structural, functional, and spatial information, amino acid conservation, physicochemical variation, residue mobility, and thermodynamic stability) indicates that this missense variant is expected to disrupt ATM protein function with a positive predictive value of 95%. RNA analysis performed to evaluate the impact of this missense change on mRNA splicing indicates it does not significantly alter splicing (internal data). In summary, the available evidence is currently insufficient to determine the role of this variant in disease. Therefore, it has been classified as a Variant of Uncertain Significance.

Ambry Genetics
Classification: Uncertain significance for Hereditary cancer-predisposing syndrome. Last evaluated: 2024-09-25. Review status: criteria provided, single submitter. Criteria: Ambry Variant Classification Scheme 2023. Collection method: clinical testing. Allele origin: germline.
Comment: The p.W1750C variant (also known as c.5250G>C), located in coding exon 34 of the ATM gene, results from a G to C substitution at nucleotide position 5250. The tryptophan at codon 1750 is replaced by cysteine, an amino acid with highly dissimilar properties. This amino acid position is highly conserved in available vertebrate species. In addition, this alteration is predicted to be deleterious by in silico analysis. Based on the available evidence, the clinical significance of this variant remains unclear.

Sema4
Classification: Uncertain significance for Hereditary cancer-predisposing syndrome. Last evaluated: 2021-09-15. Review status: criteria provided, single submitter. Criteria: Sema4 Curation Guidelines. Collection method: curation. Allele origin: germline.
Comment: The ATM c.5250G>C (p.W1750C) variant has been reported in heterozygosity in at least one individual with breast cancer (PMID: 33471991). It was not observed in the large and broad cohorts of the Genome Aggregation Database. The variant has been reported in ClinVar (Variation ID 490607). In silico tools suggest the impact of the variant on protein function is deleterious, though these predictions have not been confirmed by functional studies. The evidence is insufficient to meet ACMG/AMP criteria for classifying the variant as benign or pathogenic. Thus, the clinical significance of this variant is currently uncertain.

Color Diagnostics, LLC DBA Color Health
Classification: Uncertain significance for Hereditary cancer-predisposing syndrome. Last evaluated: 2019-04-10. Review status: criteria provided, single submitter. Criteria: ACMG Guidelines, 2015. Collection method: clinical testing. Allele origin: germline.

Literature cited by the submitters: PubMed 33471991 (cited by Sema4).

NM_000051.4(ATM):c.5250G>C (p.Trp1750Cys)

Gene: ATM (ATM serine/threonine kinase; plus strand). Cytogenetic location: 11q22.3.
Variant type: single nucleotide variant.
Coding change: c.5250G>C on transcript NM_000051.4 (MANE Select); coding-DNA position 5250, G replaced by C.
Protein change: p.Trp1750Cys; replaces tryptophan 1750 with cysteine.
Molecular consequence: missense variant.
Genome position (GRCh38, 1-based): chr11:108,301,720, G>C. VCF-style: chr11-108301720-G-C. GRCh37 (hg19) VCF-style: chr11-108172447-G-C.
Other names: c.5250G>C, p.Trp1750Cys (NM_001351834.2); short protein forms W1750C.
Identifiers: ClinVar variation 490607 (VCV000490607.17), dbSNP rs587779845, ClinGen allele CA382542469.